The following is an entry in ClinVar:

ClinVar aggregate classification (germline): Uncertain significance (1 of 4 stars; one submission).

Submission:

GeneDx
Classification: Uncertain significance. Last evaluated: 2019-09-09. Review status: criteria provided, single submitter. Criteria: GeneDx Variant Classification Process June 2021. Collection method: clinical testing. Allele origin: germline. Affected: yes.
Comment: Not observed in large population cohorts (Lek et al., 2016); In silico analysis, which includes protein predictors and evolutionary conservation, supports a deleterious effect; Has not been previously published as pathogenic or benign to our knowledge

NM_006939.4(SOS2):c.500G>A (p.Cys167Tyr)

Gene: SOS2 (SOS Ras/Rho guanine nucleotide exchange factor 2; minus strand). Cytogenetic location: 14q21.3.
Variant type: single nucleotide variant.
Coding change: c.500G>A on transcript NM_006939.4 (MANE Select); coding-DNA position 500, G replaced by A.
Protein change: p.Cys167Tyr; replaces cysteine 167 with tyrosine.
Molecular consequence: missense variant.
Genome position (GRCh38, 1-based): chr14:50,199,701, C>T on the plus strand (G>A on the coding strand, the complement: SOS2 is on the minus strand). VCF-style: chr14-50199701-C-T. GRCh37 (hg19) VCF-style: chr14-50666419-C-T.
Other names: short protein forms C167Y.
Identifiers: ClinVar variation 1311871 (VCV001311871.2), dbSNP rs1283726128, ClinGen allele CA389649409.
Genomic context (GRCh38, chr14:50,199,701, plus strand): 5'-ATTAGTATAGTTGCTATTCAAGTTAAATTTAAATACCTTGTAACACTTACCTTATCCGCA[C>T]ACATTGACACTTTAATGTCCTGCTGAGATATTTCATAATGCCGGATATTAAAAACATAAT-3'
Protein context (NP_008870.2, residues 157-177): ISQQDIKVSM[Cys167Tyr]ADKVLMDMFD